The following is an entry in ClinVar:

NM_001854.4(COL11A1):c.3896C>G (p.Pro1299Arg)

Gene: COL11A1 (collagen type XI alpha 1 chain; minus strand). Cytogenetic location: 1p21.1.
Variant type: single nucleotide variant.
Coding change: c.3896C>G on transcript NM_001854.4 (MANE Select); coding-DNA position 3896, C replaced by G.
Protein change: p.Pro1299Arg; replaces proline 1299 with arginine.
Molecular consequence: missense variant. On other transcripts: non-coding transcript variant (1).
Genome position (GRCh38, 1-based): chr1:102,914,732, G>C on the plus strand (C>G on the coding strand, the complement: COL11A1 is on the minus strand). VCF-style: chr1-102914732-G-C. GRCh37 (hg19) VCF-style: chr1-103380288-G-C.
Other names: c.3779C>G, p.Pro1260Arg (NM_001190709.2); c.3932C>G, p.Pro1311Arg (NM_080629.3); c.3548C>G, p.Pro1183Arg (NM_080630.4); c.3896C>G (NM_001854.3); short protein forms P1260R, P1311R, P1183R, P1299R.
Identifiers: ClinVar variation 3701676 (VCV003701676.3).

ClinVar aggregate classification (germline): Conflicting classifications of pathogenicity. Review status: criteria provided, conflicting classifications (1 of 4 stars). 2 submissions from 2 submitters: Uncertain significance (1); Benign (1). Last evaluated 2026-04-01.

gnomAD v4.1: 8 of 1,613,118 alleles (0.0005%); highest among the groups gnomAD compares: South Asian, 0.0066%; no homozygotes.

Submissions (2):

GeneDx
Classification: Uncertain significance. Last evaluated: 2026-04-01. Review status: criteria provided, single submitter. Criteria: GeneDx Variant Classification Process June 2021. Collection method: clinical testing. Allele origin: germline.
Comment: Not observed at significant frequency in large population cohorts (gnomAD); In silico analysis supports that this missense variant has a deleterious effect on protein structure/function; Has not been previously published as pathogenic or benign to our knowledge

Labcorp Genetics (formerly Invitae), Labcorp
Classification: Benign. Last evaluated: 2025-09-21. Review status: criteria provided, single submitter. Criteria: Invitae Variant Classification Sherloc (09022015). Collection method: clinical testing. Allele origin: germline.